The following is an entry in ClinVar:

NM_000138.5(FBN1):c.2485A>G (p.Ile829Val)

Gene: FBN1 (fibrillin 1; minus strand). Cytogenetic location: 15q21.1.
Variant type: single nucleotide variant.
Coding change: c.2485A>G on transcript NM_000138.5 (MANE Select); coding-DNA position 2485, A replaced by G.
Protein change: p.Ile829Val; replaces isoleucine 829 with valine.
Molecular consequence: missense variant.
Genome position (GRCh38, 1-based): chr15:48,495,523, T>C on the plus strand (A>G on the coding strand, the complement: FBN1 is on the minus strand). VCF-style: chr15-48495523-T-C. GRCh37 (hg19) VCF-style: chr15-48787720-T-C.
Other names: c.2485A>G, p.Ile829Val (NM_001406716.1); short protein forms I829V.
Identifiers: ClinVar variation 4756595 (VCV004756595.1).

ClinVar aggregate classification (germline): Uncertain significance (1 of 4 stars; one submission).

Conditions:
Familial thoracic aortic aneurysm and aortic dissection (TAAD). Also called: Thoracic aortic aneurysms and dissections. Identifiers: Orphanet 91387, MedGen C4707243, MONDO:0019625.

Submission:

Color Diagnostics, LLC DBA Color Health
Classification: Uncertain significance for Familial thoracic aortic aneurysm and aortic dissection. Last evaluated: 2025-09-22. Review status: criteria provided, single submitter. Criteria: ACMG Guidelines, 2015. Collection method: clinical testing. Allele origin: germline.
Comment: This missense variant replaces isoleucine with valine at codon 829 of the FBN1 protein. Computational prediction suggests that this variant may not impact protein structure and function. To our knowledge, functional studies have not been reported for this variant. This variant has not been reported in individuals affected with FBN1-related disorders in the literature. This variant has not been identified in the general population by the Genome Aggregation Database (gnomAD). The available evidence is insufficient to determine the role of this variant in disease conclusively. Therefore, this variant is classified as a Variant of Uncertain Significance.